The following is an entry in ClinVar:

NM_015374.3(SUN2):c.362G>A (p.Arg121His)

Gene: SUN2 (Sad1 and UNC84 domain containing 2; minus strand). Cytogenetic location: 22q13.1.
Variant type: single nucleotide variant.
Coding change: c.362G>A on transcript NM_015374.3 (MANE Select); coding-DNA position 362, G replaced by A.
Protein change: p.Arg121His; replaces arginine 121 with histidine.
Molecular consequence: missense variant. On other transcripts: intron variant (4).
Genome position (GRCh38, 1-based): chr22:38,750,960, C>T on the plus strand (G>A on the coding strand, the complement: SUN2 is on the minus strand). VCF-style: chr22-38750960-C-T. GRCh37 (hg19) VCF-style: chr22-39146965-C-T.
Other names: c.362G>A (NM_015374.2); c.362G>A, p.Arg121His (NM_001199579.2, NM_001199580.2, NM_001394427.1 and 11 more transcripts); c.407G>A, p.Arg136His (NM_001394429.1, NM_001394430.1); c.272G>A, p.Arg91His (NM_001394438.1); c.122+1547G>A (NM_001394443.1); c.286+250G>A (NM_001394439.1, NM_001394441.1, NM_001394440.1); short protein forms R91H, R121H, R136H.
Identifiers: ClinVar variation 1507309 (VCV001507309.10), dbSNP rs200211836, ClinGen allele CA10235973.

ClinVar aggregate classification (germline): Uncertain significance. Review status: criteria provided, multiple submitters, no conflicts (2 of 4 stars). 3 submissions from 3 submitters: Uncertain significance (3). Last evaluated 2024-05-28.

Conditions:
Emery-Dreifuss muscular dystrophy (EDMD). Also called: Scapuloperoneal syndrome, X-linked (formerly); Humeroperoneal neuromuscular disease, (formerly). Identifiers: Orphanet 261, MedGen C0410189, MONDO:0016830.

Allele frequency attached by ClinVar (database versions not stated): gnomAD 0.00003 and 0.00004; gnomAD exomes 0.00004; ExAC 0.00005; TOPMed 0.00005; ESP Exome Variant Server 0.00008; 1000 Genomes Project 30x 0.00016; 1000 Genomes Project 0.00020.
gnomAD v4.1: 45 of 1,613,880 alleles (0.0028%); highest among the groups gnomAD compares: African/African-American, 0.0053%; no homozygotes.

Submissions (3):

Ambry Genetics
Classification: Uncertain significance. Last evaluated: 2024-05-28. Review status: criteria provided, single submitter. Criteria: Ambry Variant Classification Scheme 2023. Collection method: clinical testing. Allele origin: germline.

Labcorp Genetics (formerly Invitae), Labcorp
Classification: Uncertain significance for Emery-Dreifuss muscular dystrophy. Last evaluated: 2022-05-20. Review status: criteria provided, single submitter. Criteria: Invitae Variant Classification Sherloc (09022015). Collection method: clinical testing. Allele origin: germline.
Comment: In summary, the available evidence is currently insufficient to determine the role of this variant in disease. Therefore, it has been classified as a Variant of Uncertain Significance. Algorithms developed to predict the effect of missense changes on protein structure and function (SIFT, PolyPhen-2, Align-GVGD) all suggest that this variant is likely to be tolerated. This variant has not been reported in the literature in individuals affected with SUN2-related conditions. This variant is present in population databases (rs200211836, gnomAD 0.01%). This sequence change replaces arginine, which is basic and polar, with histidine, which is basic and polar, at codon 121 of the SUN2 protein (p.Arg121His).

Breakthrough Genomics
Classification: Uncertain significance. Review status: criteria provided, single submitter. Criteria: ACMG Guidelines, 2015. Collection method: not provided. Allele origin: germline. Inheritance: Autosomal dominant inheritance. Affected: yes.